The following is an entry in ClinVar:

ClinVar aggregate classification (germline): Uncertain significance (1 of 4 stars; one submission).

Conditions:
MC3R-related disorder. Also called: MC3R-related condition.

Submission:

PreventionGenetics, part of Exact Sciences
Classification: Uncertain significance for MC3R-related condition. Last evaluated: 2026-09-16. Review status: criteria provided, single submitter. Criteria: ACMG Guidelines, 2015. Collection method: clinical testing. Allele origin: germline.
Comment: The MC3R c.728C>G variant is predicted to result in the amino acid substitution p.Thr243Ser. This variant has been reported in heterozygous state in multiple individuals with severe obesity (described as T280S in Calton et al. 2009. PubMed ID: 19091795; Mencarelli et al. 2010. PubMed ID: 21047972). Functional studies demonstrated that T280S appears to be essential for normal MC3R expression, binding, and signaling underscoring its importance in MC3R function (Yang et al. 2012. PubMed ID: 22884546; Yang et al. 2015. PubMed ID: 25798062). This variant is reported in 0.00088% of alleles in individuals of European (Non-Finnish) descent in gnomAD. Although we suspect that this variant may be pathogenic, at this time, the clinical significance of this variant is uncertain due to the absence of conclusive functional and genetic evidence.

NM_019888.3(MC3R):c.728C>G (p.Thr243Ser)

Gene: MC3R (melanocortin 3 receptor; plus strand). Cytogenetic location: 20q13.2.
Variant type: single nucleotide variant.
Coding change: c.728C>G on transcript NM_019888.3 (MANE Select); coding-DNA position 728, C replaced by G.
Protein change: p.Thr243Ser; replaces threonine 243 with serine.
Molecular consequence: missense variant.
Genome position (GRCh38, 1-based): chr20:56,249,571, C>G. VCF-style: chr20-56249571-C-G. GRCh37 (hg19) VCF-style: chr20-54824627-C-G.
Other names: short protein forms T243S.
Identifiers: ClinVar variation 4989437 (VCV004989437.1).